The following is an entry in ClinVar:

ClinVar aggregate classification (germline): Likely benign. Review status: criteria provided, multiple submitters, no conflicts (2 of 4 stars). 2 submissions from 2 submitters: Likely benign (2). Last evaluated 2026-01-01.

Conditions:
Inborn genetic diseases. Identifiers: MedGen C0950123, MeSH D030342.

gnomAD v4.1: 19 of 1,614,102 alleles (0.0012%); highest among the groups gnomAD compares: Admixed American, 0.03%; no homozygotes.

Submissions (2):

CeGaT Center for Human Genetics Tuebingen
Classification: Likely benign. Last evaluated: 2026-01-01. Review status: criteria provided, single submitter. Criteria: CeGaT Center For Human Genetics Tuebingen Variant Classification Criteria Version 2. Collection method: clinical testing. Allele origin: germline. Affected: yes. Observed: 1 variant allele.
Comment: TRIO: BP4

Ambry Genetics
Classification: Likely benign for Inborn genetic diseases. Last evaluated: 2025-02-12. Review status: criteria provided, single submitter. Criteria: Ambry Variant Classification Scheme 2023. Collection method: clinical testing. Allele origin: germline.

NM_007118.4(TRIO):c.8355G>T (p.Met2785Ile)

Gene: TRIO (trio Rho guanine nucleotide exchange factor; plus strand). Cytogenetic location: 5p15.2.
Variant type: single nucleotide variant.
Coding change: c.8355G>T on transcript NM_007118.4 (MANE Select); coding-DNA position 8355, G replaced by T.
Protein change: p.Met2785Ile; replaces methionine 2785 with isoleucine.
Molecular consequence: missense variant. On other transcripts: non-coding transcript variant (1).
Genome position (GRCh38, 1-based): chr5:14,502,601, G>T. VCF-style: chr5-14502601-G-T. GRCh37 (hg19) VCF-style: chr5-14502710-G-T.
Other names: short protein forms M2785I.
Identifiers: ClinVar variation 3810725 (VCV003810725.5).